The following is an entry in ClinVar:

NM_016222.4(DDX41):c.27+2T>G

Gene: DDX41 (DEAD-box helicase 41; minus strand). Cytogenetic location: 5q35.3.
Variant type: single nucleotide variant.
Coding change: c.27+2T>G on transcript NM_016222.4 (MANE Select); the canonical splice donor site of the intron after coding-DNA position 27, T replaced by G.
Molecular consequence: splice donor variant.
Genome position (GRCh38, 1-based): chr5:177,516,917, A>C on the plus strand (T>G on the coding strand, the complement: DDX41 is on the minus strand). VCF-style: chr5-177516917-A-C. GRCh37 (hg19) VCF-style: chr5-176943918-A-C.
Other names: c.-421+2T>G (NM_001321830.2); c.-629+2T>G (NM_001321732.2).
Identifiers: ClinVar variation 4238768 (VCV004238768.1).

ClinVar aggregate classification (germline): Likely pathogenic (1 of 4 stars; one submission).

Conditions:
Inborn genetic diseases. Identifiers: MedGen C0950123, MeSH D030342.

Submission:

Ambry Genetics
Classification: Likely pathogenic for Inborn genetic diseases. Last evaluated: 2025-07-28. Review status: criteria provided, single submitter. Criteria: Ambry Variant Classification Scheme 2023. Collection method: clinical testing. Allele origin: germline.
Comment: The c.27+2T>G intronic variant results from a T to G substitution two nucleotides after coding exon 1 in the DDX41 gene. This nucleotide position is highly conserved in available vertebrate species. In silico splice site analysis predicts that this alteration will weaken the native splice donor site; however, direct evidence is insufficient at this time (Ambry internal data). The stop codon in the predicted resulting transcript occurs in the 5' end ofthe DDX41 gene. As such, this alteration may escape nonsense-mediated mRNAdecay and/or be prone to rescue by reinitiation (Rivas et al. Science. 2015 May 8;348(6235):666-9; Lindeboom et al. Nat Genet. 2016 Oct;48(10):1112-8; Rhee et al. Sci Rep. 2017 May 10;7(1):1653). The exact functional effect of this alteration is unknown; however, the region predicted to be impacted is critical for protein function (Ambry internal data). This variant is considered to be rare based on population cohorts in the Genome Aggregation Database (gnomAD). Based on the majority of available evidence to date, this variant is likely to be pathogenic.